The following is an entry in ClinVar:

ClinVar aggregate classification (germline): Uncertain significance (1 of 4 stars; one submission).

Conditions:
Inborn genetic diseases. Identifiers: MedGen C0950123, MeSH D030342.

Submission:

Ambry Genetics
Classification: Uncertain significance for Inborn genetic diseases. Last evaluated: 2025-08-20. Review status: criteria provided, single submitter. Criteria: Ambry Variant Classification Scheme 2023. Collection method: clinical testing. Allele origin: germline.
Comment: The p.S661Y variant (also known as c.1982C>A), located in coding exon 8 of the MECOM gene, results from a C to A substitution at nucleotide position 1982. The serine at codon 661 is replaced by tyrosine, an amino acid with dissimilar properties. This amino acid position is conserved. In addition, the in silico prediction for this alteration is inconclusive. Based on the available evidence, the clinical significance of this variant remains unclear.

NM_004991.4(MECOM):c.1982C>A (p.Ser661Tyr)

Gene: MECOM (MDS1 and EVI1 complex locus; minus strand). Cytogenetic location: 3q26.2.
Variant type: single nucleotide variant.
Coding change: c.1982C>A on transcript NM_004991.4 (MANE Select); coding-DNA position 1982, C replaced by A.
Protein change: p.Ser661Tyr; replaces serine 661 with tyrosine.
Molecular consequence: missense variant. On other transcripts: intron variant (2).
Genome position (GRCh38, 1-based): chr3:169,115,890, G>T on the plus strand (C>A on the coding strand, the complement: MECOM is on the minus strand). VCF-style: chr3-169115890-G-T. GRCh37 (hg19) VCF-style: chr3-168833678-G-T.
Other names: c.1613C>A, p.Ser538Tyr (NM_001105077.4); c.1418C>A, p.Ser473Tyr (NM_001105078.4, NM_001164000.2, NM_001205194.2 and 4 more transcripts); c.1421C>A, p.Ser474Tyr (NM_001163999.2, NM_001366467.2, NM_001366468.2 and 1 more transcripts); c.1982C>A, p.Ser661Tyr (NM_001366466.2); c.1133-123C>A (NM_001366473.2); c.569-123C>A (NM_001366474.2); short protein forms S474Y, S661Y, S473Y, S538Y.
Identifiers: ClinVar variation 4105859 (VCV004105859.1).